The following is an entry in ClinVar:

NM_000719.7(CACNA1C):c.5417A>G (p.Glu1806Gly)

Genes: CACNA1C (calcium voltage-gated channel subunit alpha1 C; plus strand), CACNA1C-AS1 (CACNA1C antisense RNA 1; minus strand). Cytogenetic location: 12p13.33.
Variant type: single nucleotide variant.
Coding change: c.5417A>G on transcript NM_000719.7 (MANE Select); coding-DNA position 5417, A replaced by G.
Protein change: p.Glu1806Gly; replaces glutamic acid 1806 with glycine.
Molecular consequence: missense variant.
Genome position (GRCh38, 1-based): chr12:2,679,769, A>G. VCF-style: chr12-2679769-A-G. GRCh37 (hg19) VCF-style: chr12-2788935-A-G.
Other names: c.5561A>G, p.Glu1854Gly (NM_001129827.2, NM_199460.4); c.5540A>G, p.Glu1847Gly (NM_001129829.2); c.5417A>G, p.Glu1806Gly (NM_001129830.3, NM_001129840.2, NM_001129841.2 and 4 more transcripts); c.5501A>G, p.Glu1834Gly (NM_001129831.2); c.5477A>G, p.Glu1826Gly (NM_001129832.2); c.5474A>G, p.Glu1825Gly (NM_001129833.2, NM_001129834.2, NM_001129835.2); c.5468A>G, p.Glu1823Gly (NM_001129836.2); c.5441A>G, p.Glu1814Gly (NM_001129837.2, NM_001129838.2); and 3 more; short protein forms E1795G, E1803G, E1806G, E1812G, E1814G, E1823G, E1825G, E1826G.
Identifiers: ClinVar variation 1062902 (VCV001062902.9), dbSNP rs757371746, ClinGen allele CA383379265.
Genomic context (GRCh38, chr12:2,679,769, plus strand): 5'-GCACGGTCAGCACTGTGGAGGGCCACGGGCCCCCCTTGTCCCCTGCCATCCGGGTGCAGG[A>G]GGTGGCGTGGAAGCTCAGCTCCAACAGGTAAGTGGGAGGCTGGCCACCCCAGGCGGCACA-3'
Protein context (NP_000710.5, residues 1796-1816): PPLSPAIRVQ[Glu1806Gly]VAWKLSSNRC

ClinVar aggregate classification (germline): Uncertain significance (1 of 4 stars; one submission).

Conditions:
Long QT syndrome (LQTS). Identifiers: MedGen C0023976, MeSH D008133, MONDO:0002442. Disease mechanism: loss of function. Inheritance: Various modes of inheritance.

Submission:

Labcorp Genetics (formerly Invitae), Labcorp
Classification: Uncertain significance for Long QT syndrome. Last evaluated: 2020-03-09. Review status: criteria provided, single submitter. Criteria: Invitae Variant Classification Sherloc (09022015). Collection method: clinical testing. Allele origin: germline.
Comment: This sequence change replaces glutamic acid with glycine at codon 1806 of the CACNA1C protein (p.Glu1806Gly). The glutamic acid residue is moderately conserved and there is a moderate physicochemical difference between glutamic acid and glycine. This variant is not present in population databases (ExAC no frequency). This variant has not been reported in the literature in individuals with CACNA1C-related conditions. Algorithms developed to predict the effect of missense changes on protein structure and function output the following: SIFT: "Tolerated"; PolyPhen-2: "Benign"; Align-GVGD: "Class C0". The glycine amino acid residue is found in multiple mammalian species, suggesting that this missense change does not adversely affect protein function. These predictions have not been confirmed by published functional studies and their clinical significance is uncertain. In summary, the available evidence is currently insufficient to determine the role of this variant in disease. Therefore, it has been classified as a Variant of Uncertain Significance.